The following is an entry in ClinVar:

ClinVar aggregate classification (germline): Conflicting classifications of pathogenicity. Review status: criteria provided, conflicting classifications (1 of 4 stars). 2 submissions from 2 submitters: Uncertain significance (1); Likely benign (1). Last evaluated 2025-05-01.

Conditions:
Inborn genetic diseases. Identifiers: MedGen C0950123, MeSH D030342.

gnomAD v4.1: 6 of 1,613,956 alleles (0.00037%); highest among the groups gnomAD compares: Non-Finnish European, 0.00051%; no homozygotes.

Submissions (2):

Ambry Genetics
Classification: Likely benign for Inborn genetic diseases. Last evaluated: 2025-05-01. Review status: criteria provided, single submitter. Criteria: Ambry Variant Classification Scheme 2023. Collection method: clinical testing. Allele origin: germline.

Labcorp Genetics (formerly Invitae), Labcorp
Classification: Uncertain significance. Last evaluated: 2024-10-04. Review status: criteria provided, single submitter. Criteria: Invitae Variant Classification Sherloc (09022015). Collection method: clinical testing. Allele origin: germline.
Comment: This sequence change replaces valine, which is neutral and non-polar, with methionine, which is neutral and non-polar, at codon 37 of the ETV6 protein (p.Val37Met). This variant is present in population databases (rs752186257, gnomAD 0.002%). This missense change has been observed in individual(s) with leukemia (PMID: 26102509). Invitae Evidence Modeling of protein sequence and biophysical properties (such as structural, functional, and spatial information, amino acid conservation, physicochemical variation, residue mobility, and thermodynamic stability) indicates that this missense variant is not expected to disrupt ETV6 protein function with a negative predictive value of 80%. Experimental studies have shown that this missense change does not substantially affect ETV6 function (PMID: 26102509). In summary, the available evidence is currently insufficient to determine the role of this variant in disease. Therefore, it has been classified as a Variant of Uncertain Significance.

Literature cited by the submitters: PubMed 26102509 (cited by Ambry Genetics and Labcorp Genetics (formerly Invitae), Labcorp); PubMed 32693409 (cited by Ambry Genetics).

NM_001987.5(ETV6):c.109G>A (p.Val37Met)

Gene: ETV6 (ETS variant transcription factor 6; plus strand). Cytogenetic location: 12p13.2.
Variant type: single nucleotide variant.
Coding change: c.109G>A on transcript NM_001987.5 (MANE Select); coding-DNA position 109, G replaced by A.
Protein change: p.Val37Met; replaces valine 37 with methionine.
Molecular consequence: missense variant. On other transcripts: intron variant (1).
Genome position (GRCh38, 1-based): chr12:11,752,525, G>A. VCF-style: chr12-11752525-G-A. GRCh37 (hg19) VCF-style: chr12-11905459-G-A.
Other names: c.106G>A, p.Val36Met (NM_001413913.1); c.82G>A, p.Val28Met (NM_001413914.1); c.109G>A, p.Val37Met (NM_001413916.1, NM_001413917.1, NM_001413918.1); c.-101-86615G>A (NM_001413915.1); short protein forms V37M, V28M, V36M.
Identifiers: ClinVar variation 3721110 (VCV003721110.3).